The following is an entry in ClinVar:

NM_182961.4(SYNE1):c.7672C>A (p.His2558Asn)

Gene: SYNE1 (spectrin repeat containing nuclear envelope protein 1; minus strand). Cytogenetic location: 6q25.2.
Variant type: single nucleotide variant.
Coding change: c.7672C>A on transcript NM_182961.4 (MANE Select); coding-DNA position 7672, C replaced by A.
Protein change: p.His2558Asn; replaces histidine 2558 with asparagine.
Molecular consequence: missense variant.
Genome position (GRCh38, 1-based): chr6:152,395,556, G>T on the plus strand (C>A on the coding strand, the complement: SYNE1 is on the minus strand). VCF-style: chr6-152395556-G-T. GRCh37 (hg19) VCF-style: chr6-152716691-G-T.
Other names: c.7693C>A, p.His2565Asn (NM_033071.5); short protein forms H2558N, H2565N.
Identifiers: ClinVar variation 1025693 (VCV001025693.8), dbSNP rs2097719253, ClinGen allele CA366111138.

ClinVar aggregate classification (germline): Uncertain significance (1 of 4 stars; one submission).

Conditions:
Autosomal recessive ataxia, Beauce type. Also called: ATAXIA, RECESSIVE, OF BEAUCE; Spinocerebellar ataxia, autosomal recessive 8; SYNE1-Related Autosomal Recessive Cerebellar Ataxia; SYNE1 Deficiency. Identifiers: Orphanet 88644, MedGen C1853116, MONDO:0012549, OMIM 610743.
Emery-Dreifuss muscular dystrophy 4, autosomal dominant (EDMD4). Also called: EMERY-DREIFUSS MUSCULAR DYSTROPHY 4 WITH VARIABLE FEATURES. Identifiers: Orphanet 261, MedGen C2751807, MONDO:0013071, OMIM 612998.

Submission:

Labcorp Genetics (formerly Invitae), Labcorp
Classification: Uncertain significance for Emery-Dreifuss muscular dystrophy 4, autosomal dominant; Autosomal recessive ataxia, Beauce type. Last evaluated: 2025-08-11. Review status: criteria provided, single submitter. Criteria: Invitae Variant Classification Sherloc (09022015). Collection method: clinical testing. Allele origin: germline.
Comment: This sequence change replaces histidine, which is basic and polar, with asparagine, which is neutral and polar, at codon 2565 of the SYNE1 protein (p.His2565Asn). This variant is not present in population databases (gnomAD no frequency). This variant has not been reported in the literature in individuals affected with SYNE1-related conditions. ClinVar contains an entry for this variant (Variation ID: 1025693). An algorithm developed to predict the effect of missense changes on protein structure and function (PolyPhen-2) suggests that this variant is likely to be tolerated. In summary, the available evidence is currently insufficient to determine the role of this variant in disease. Therefore, it has been classified as a Variant of Uncertain Significance.